The following is an entry in ClinVar:

NM_000465.4(BARD1):c.1006T>C (p.Cys336Arg)

Gene: BARD1 (BRCA1 associated RING domain 1; minus strand). Cytogenetic location: 2q35.
Variant type: single nucleotide variant.
Coding change: c.1006T>C on transcript NM_000465.4 (MANE Select); coding-DNA position 1006, T replaced by C.
Protein change: p.Cys336Arg; replaces cysteine 336 with arginine.
Molecular consequence: missense variant. On other transcripts: non-coding transcript variant (2), intron variant (3).
Genome position (GRCh38, 1-based): chr2:214,780,868, A>G on the plus strand (T>C on the coding strand, the complement: BARD1 is on the minus strand). VCF-style: chr2-214780868-A-G. GRCh37 (hg19) VCF-style: chr2-215645592-A-G.
Other names: c.949T>C, p.Cys317Arg (NM_001282543.2); c.159-28313T>C (NM_001282548.2); c.215+16193T>C (NM_001282545.2); c.364+11429T>C (NM_001282549.2); short protein forms C336R, C317R.
Identifiers: ClinVar variation 237810 (VCV000237810.15), dbSNP rs752869298, ClinGen allele CA10581933.
Genomic context (GRCh38, chr2:214,780,868, plus strand): 5'-TTTCTGAGGGCACCGTTTGCTTAACAAAATCTCCACTGGTGCTCAGAATGCTGGTTCTAC[A>G]TCTCTTAGAAATGGGACTGGAAAGTCTATTGTGATGGCCACGTTTTCCATTATTTTCTAA-3'
Protein context (NP_000456.2, residues 326-346): NRLSSPISKR[Cys336Arg]RTSILSTSGD

ClinVar aggregate classification (germline): Uncertain significance. Review status: criteria provided, multiple submitters, no conflicts (2 of 4 stars). 2 submissions from 2 submitters: Uncertain significance (2). Last evaluated 2025-04-29.

Conditions:
Hereditary cancer-predisposing syndrome. Also called: Neoplastic Syndromes, Hereditary; Hereditary neoplastic syndrome; Tumor predisposition; Hereditary Cancer Syndrome. Identifiers: Orphanet 140162, MedGen C0027672, MeSH D009386, MONDO:0015356.
Familial cancer of breast. Also called: BREAST CANCER, FAMILIAL; hereditary breast carcinoma; Hereditary breast cancer. Identifiers: Orphanet 227535, MedGen C0346153, MONDO:0016419, OMIM 114480. Disease mechanism: loss of function.

Allele frequency attached by ClinVar (database versions not stated): TOPMed below 0.00001.

Submissions (2):

Labcorp Genetics (formerly Invitae), Labcorp
Classification: Uncertain significance for Familial cancer of breast. Last evaluated: 2025-04-29. Review status: criteria provided, single submitter. Criteria: Invitae Variant Classification Sherloc (09022015). Collection method: clinical testing. Allele origin: germline.
Comment: This sequence change replaces cysteine, which is neutral and slightly polar, with arginine, which is basic and polar, at codon 336 of the BARD1 protein (p.Cys336Arg). This variant is not present in population databases (gnomAD no frequency). This variant has not been reported in the literature in individuals affected with BARD1-related conditions. ClinVar contains an entry for this variant (Variation ID: 237810). An algorithm developed to predict the effect of missense changes on protein structure and function outputs the following: PolyPhen-2: "Benign". The arginine amino acid residue is found in multiple mammalian species, which suggests that this missense change does not adversely affect protein function. In summary, the available evidence is currently insufficient to determine the role of this variant in disease. Therefore, it has been classified as a Variant of Uncertain Significance.

Ambry Genetics
Classification: Uncertain significance for Hereditary cancer-predisposing syndrome. Last evaluated: 2024-09-22. Review status: criteria provided, single submitter. Criteria: Ambry Variant Classification Scheme 2023. Collection method: clinical testing. Allele origin: germline.
Comment: The p.C336R variant (also known as c.1006T>C), located in coding exon 4 of the BARD1 gene, results from a T to C substitution at nucleotide position 1006. The cysteine at codon 336 is replaced by arginine, an amino acid with highly dissimilar properties. This amino acid position is not well conserved in available vertebrate species. In addition, this alteration is predicted to be tolerated by in silico analysis. Since supporting evidence is limited at this time, the clinical significance of this alteration remains unclear.